The following is an entry in ClinVar:

NM_000548.5(TSC2):c.572T>C (p.Leu191Pro)

Gene: TSC2 (TSC complex subunit 2; plus strand). Cytogenetic location: 16p13.3.
Variant type: single nucleotide variant.
Coding change: c.572T>C on transcript NM_000548.5 (MANE Select); coding-DNA position 572, T replaced by C.
Protein change: p.Leu191Pro; replaces leucine 191 with proline.
Molecular consequence: missense variant. On other transcripts: intron variant (1).
Genome position (GRCh38, 1-based): chr16:2,055,492, T>C. VCF-style: chr16-2055492-T-C. GRCh37 (hg19) VCF-style: chr16-2105493-T-C.
Other names: c.572T>C, p.Leu191Pro (NM_001077183.3, NM_001114382.3, NM_001363528.2 and 8 more transcripts); c.461T>C, p.Leu154Pro (NM_001318827.2, NM_001406670.1, NM_001406678.1); c.425T>C, p.Leu142Pro (NM_001318829.2, NM_001406675.1, NM_001406676.1 and 1 more transcripts); c.605T>C, p.Leu202Pro (NM_001318832.2); c.662T>C, p.Leu221Pro (NM_001406667.1, NM_001406668.1); c.515T>C, p.Leu172Pro (NM_001406677.1); c.-245T>C (NM_001406680.1, NM_001406683.1, NM_001406687.1); c.110T>C, p.Leu37Pro (NM_001406681.1); and 6 more; short protein forms L142P, L172P, L221P, L154P, L37P, L191P, L202P.
Identifiers: ClinVar variation 2095794 (VCV002095794.5), dbSNP rs2151061041, ClinGen allele CA394309690.
Genomic context (GRCh38, chr16:2,055,492, plus strand): 5'-GCTTGTCCTCGGAATTCCTTCTGGTGCTGGTGAACTTGGTCAAATTCAATAGCTGTTACC[T>C]CGACGAGTACATCGCAAGGATGGTTCAGTAAGAAAAGAATTGAGATCCTGTTCTGATAAT-3'
Protein context (NP_000539.2, residues 181-201): VNLVKFNSCY[Leu191Pro]DEYIARMVQM

ClinVar aggregate classification (germline): Uncertain significance. Review status: criteria provided, multiple submitters, no conflicts (2 of 4 stars). 2 submissions from 2 submitters: Uncertain significance (2). Last evaluated 2024-07-08.

Conditions:
Tuberous sclerosis 2 (TSC2). Identifiers: Orphanet 805, MedGen C1860707, MONDO:0013199, OMIM 613254.
Hereditary cancer-predisposing syndrome. Also called: Tumor predisposition; Neoplastic Syndromes, Hereditary; Hereditary neoplastic syndrome; Hereditary Cancer Syndrome. Identifiers: Orphanet 140162, MedGen C0027672, MeSH D009386, MONDO:0015356.

Submissions (2):

Ambry Genetics
Classification: Uncertain significance for Hereditary cancer-predisposing syndrome. Last evaluated: 2024-07-08. Review status: criteria provided, single submitter. Criteria: Ambry Variant Classification Scheme 2023. Collection method: clinical testing. Allele origin: germline.
Comment: The p.L191P variant (also known as c.572T>C), located in coding exon 5 of the TSC2 gene, results from a T to C substitution at nucleotide position 572. The leucine at codon 191 is replaced by proline, an amino acid with similar properties. This amino acid position is conserved. In addition, this alteration is predicted to be deleterious by in silico analysis. Based on the available evidence, the clinical significance of this variant remains unclear.

Labcorp Genetics (formerly Invitae), Labcorp
Classification: Uncertain significance for Tuberous sclerosis 2. Last evaluated: 2022-02-25. Review status: criteria provided, single submitter. Criteria: Invitae Variant Classification Sherloc (09022015). Collection method: clinical testing. Allele origin: germline.
Comment: This sequence change replaces leucine, which is neutral and non-polar, with proline, which is neutral and non-polar, at codon 191 of the TSC2 protein (p.Leu191Pro). This variant is not present in population databases (gnomAD no frequency). This variant has not been reported in the literature in individuals affected with TSC2-related conditions. Advanced modeling of protein sequence and biophysical properties (such as structural, functional, and spatial information, amino acid conservation, physicochemical variation, residue mobility, and thermodynamic stability) performed at Invitae indicates that this missense variant is not expected to disrupt TSC2 protein function. In summary, the available evidence is currently insufficient to determine the role of this variant in disease. Therefore, it has been classified as a Variant of Uncertain Significance.